The following is an entry in ClinVar:

NM_001256545.2(MEGF10):c.1573T>C (p.Cys525Arg)

Gene: MEGF10 (multiple EGF like domains 10; plus strand). Cytogenetic location: 5q23.2.
Variant type: single nucleotide variant.
Coding change: c.1573T>C on transcript NM_001256545.2 (MANE Select); coding-DNA position 1573, T replaced by C.
Protein change: p.Cys525Arg; replaces cysteine 525 with arginine.
Molecular consequence: missense variant.
Genome position (GRCh38, 1-based): chr5:127,420,190, T>C. VCF-style: chr5-127420190-T-C. GRCh37 (hg19) VCF-style: chr5-126755882-T-C.
Other names: c.1573T>C, p.Cys525Arg (NM_001308119.2, NM_001308121.2, NM_032446.3); short protein forms C525R.
Identifiers: ClinVar variation 3390577 (VCV003390577.1).

ClinVar aggregate classification (germline): Uncertain significance (1 of 4 stars; one submission).

gnomAD v4.1: 2 of 1,614,068 alleles (0.00012%); highest among the groups gnomAD compares: South Asian, 0.0011%; no homozygotes.

Submission:

GeneDx
Classification: Uncertain significance. Last evaluated: 2024-06-12. Review status: criteria provided, single submitter. Criteria: GeneDx Variant Classification Process June 2021. Collection method: clinical testing. Allele origin: germline. Affected: yes.
Comment: Not observed at significant frequency in large population cohorts (gnomAD); Has not been previously published as pathogenic or benign to our knowledge; In silico analysis supports that this missense variant has a deleterious effect on protein structure/function